The following is an entry in ClinVar:

ClinVar aggregate classification (germline): Benign (1 of 4 stars; one submission).

Conditions:
Neuronal ceroid lipofuscinosis. Also called: Neuronal Ceroid Lipofuscinoses. Identifiers: Orphanet 216, Orphanet 79263, MedGen C0027877, MONDO:0016295. Disease mechanism: loss of function.

Allele frequency attached by ClinVar (database versions not stated): gnomAD 0.00002 and 0.00074; TOPMed 0.00013; gnomAD exomes 0.00116; 1000 Genomes Project 30x 0.00484; 1000 Genomes Project 0.00539.
gnomAD v4.1: 111 of 153,204 alleles (0.072%); highest among the groups gnomAD compares: South Asian, 2.2%; 2 homozygotes.

Submission:

Illumina Laboratory Services, Illumina
Classification: Benign for Neuronal ceroid lipofuscinosis. Last evaluated: 2018-01-13. Review status: criteria provided, single submitter. Criteria: ICSL Variant Classification Criteria 13 December 2019. Collection method: clinical testing. Allele origin: germline.
Comment: This variant was observed in the ICSL laboratory as part of a predisposition screen in an ostensibly healthy population. It had not been previously curated by ICSL or reported in the Human Gene Mutation Database (HGMD: prior to June 1st, 2018), and was therefore a candidate for classification through an automated scoring system. Utilizing variant allele frequency, disease prevalence and penetrance estimates, and inheritance mode, an automated score was calculated to assess if this variant is too frequent to cause the disease. Based on the score and internal cut-off values, a variant classified as benign is not then subjected to further curation. The score for this variant resulted in a classification of benign for this disease.

NM_017882.3(CLN6):c.*725C>T

Gene: CLN6 (CLN6 transmembrane ER protein; minus strand). Cytogenetic location: 15q23.
Variant type: single nucleotide variant.
Coding change: c.*725C>T on transcript NM_017882.3 (MANE Select); 725 bases downstream of the stop codon, C replaced by T.
Molecular consequence: 3 prime UTR variant.
Genome position (GRCh38, 1-based): chr15:68,207,415, G>A on the plus strand (C>T on the coding strand, the complement: CLN6 is on the minus strand). VCF-style: chr15-68207415-G-A. GRCh37 (hg19) VCF-style: chr15-68499753-G-A.
Identifiers: ClinVar variation 316971 (VCV000316971.5), dbSNP rs369225795, ClinGen allele CA10642470.